The following is an entry in ClinVar:

NM_014516.4(CNOT3):c.1905-3C>G

Gene: CNOT3 (CCR4-NOT transcription complex subunit 3; plus strand). Cytogenetic location: 19q13.42.
Variant type: single nucleotide variant.
Coding change: c.1905-3C>G on transcript NM_014516.4 (MANE Select); 3 bases into the intron before coding-DNA position 1905, C replaced by G.
Molecular consequence: intron variant.
Genome position (GRCh38, 1-based): chr19:54,152,864, C>G. VCF-style: chr19-54152864-C-G. GRCh37 (hg19) VCF-style: chr19-54656601-C-G.
Other names: c.1908-3C>G (NM_001440662.1, NM_001440653.1, NM_001440661.1 and 3 more transcripts); c.1362-3C>G (NM_001440659.1, NM_001440660.1); c.1905-3C>G (NM_001440654.1, NM_001440664.1, NM_001440658.1 and 1 more transcripts).
Identifiers: ClinVar variation 4812926 (VCV004812926.1).
Genomic context (GRCh38, chr19:54,152,864, plus strand): 5'-CACCCTTTTGATCACGACAGGACTAGTAGGCAGCTGGCACTGACCTTCCTGTTGCTCTCA[C>G]AGGCAGTACCTCCCCCGGAACCCCTGTCCGACGCCCCCCTACCACCACCAGATGCCACCC-3'

ClinVar aggregate classification (germline): Uncertain significance (1 of 4 stars; one submission).

Submission:

GeneDx
Classification: Uncertain significance. Last evaluated: 2025-08-29. Review status: criteria provided, single submitter. Criteria: GeneDx Variant Classification Process June 2021. Collection method: clinical testing. Allele origin: germline. Affected: yes.
Comment: Not observed at significant frequency in large population cohorts (gnomAD); In silico analysis supports a deleterious effect on splicing; Has not been previously published as pathogenic or benign to our knowledge